The following is an entry in ClinVar:

ClinVar aggregate classification (germline): Benign/Likely benign. Review status: criteria provided, multiple submitters, no conflicts (2 of 4 stars). 11 submissions from 8 submitters: Benign (10); Likely benign (1). Last evaluated 2026-02-04.

Conditions:
Complement component 3 deficiency. Identifiers: Orphanet 280133, MedGen C3151071, MONDO:0013417, OMIM 613779.
Atypical hemolytic-uremic syndrome with C3 anomaly. Also called: AHUS, SUSCEPTIBILITY TO, 5. Identifiers: Orphanet 2134, MedGen C2752037, MONDO:0013043, OMIM 612925.
Age related macular degeneration 9. Identifiers: MedGen C1969651, MONDO:0012659, OMIM 611378.

Allele frequency attached by ClinVar (database versions not stated): ESP Exome Variant Server 0.12502; gnomAD 0.13947 and 0.14712; TOPMed 0.13985; gnomAD exomes 0.14409 and 0.17162; ExAC 0.17437; 1000 Genomes Project 30x 0.21190; 1000 Genomes Project 0.21845.
gnomAD v4.1: 233,564 of 1,612,072 alleles (14%); highest among the groups gnomAD compares: East Asian, 42%; 19,538 homozygotes.

Submissions (11):

Labcorp Genetics (formerly Invitae), Labcorp
Classification: Benign. Last evaluated: 2026-02-04. Review status: criteria provided, single submitter. Criteria: Invitae Variant Classification Sherloc (09022015). Collection method: clinical testing. Allele origin: germline.

Women's Health and Genetics/Laboratory Corporation of America, LabCorp
Classification: Benign. Last evaluated: 2026-01-21. Review status: criteria provided, single submitter. Criteria: LabCorp Variant Classification Summary - May 2015. Collection method: clinical testing. Allele origin: germline.

Blueprint Genetics
Classification: Likely benign. Last evaluated: 2024-11-28. Review status: criteria provided, single submitter. Criteria: ACMG Guidelines, 2015. Collection method: clinical testing. Allele origin: germline.

Mayo Clinic Laboratories, Mayo Clinic
Classification: Benign. Last evaluated: 2022-03-10. Review status: criteria provided, single submitter. Criteria: ACMG Guidelines, 2015. Collection method: clinical testing. Allele origin: germline. Observed: 839 variant alleles.

Genome-Nilou Lab
Classification: Benign for Complement component 3 deficiency. Last evaluated: 2021-07-14. Review status: criteria provided, single submitter. Criteria: ACMG Guidelines, 2015. Collection method: clinical testing. Allele origin: germline. Affected: no.

Genome-Nilou Lab
Classification: Benign for Age related macular degeneration 9. Last evaluated: 2021-07-14. Review status: criteria provided, single submitter. Criteria: ACMG Guidelines, 2015. Collection method: clinical testing. Allele origin: germline. Affected: no.

GeneDx
Classification: Benign. Last evaluated: 2018-08-02. Review status: criteria provided, single submitter. Criteria: GeneDx Variant Classification Process June 2021. Collection method: clinical testing. Allele origin: germline. Affected: yes.

Illumina Laboratory Services, Illumina
Classification: Benign for Complement component 3 deficiency. Last evaluated: 2018-01-13. Review status: criteria provided, single submitter. Criteria: ICSL Variant Classification Criteria 13 December 2019. Collection method: clinical testing. Allele origin: germline.
Comment: This variant was observed in the ICSL laboratory as part of a predisposition screen in an ostensibly healthy population. It had not been previously curated by ICSL or reported in the Human Gene Mutation Database (HGMD: prior to June 1st, 2018), and was therefore a candidate for classification through an automated scoring system. Utilizing variant allele frequency, disease prevalence and penetrance estimates, and inheritance mode, an automated score was calculated to assess if this variant is too frequent to cause the disease. Based on the score and internal cut-off values, a variant classified as benign is not then subjected to further curation. The score for this variant resulted in a classification of benign for this disease.

Illumina Laboratory Services, Illumina
Classification: Benign for Atypical hemolytic-uremic syndrome with C3 anomaly. Last evaluated: 2018-01-13. Review status: criteria provided, single submitter. Criteria: ICSL Variant Classification Criteria 13 December 2019. Collection method: clinical testing. Allele origin: germline.
Comment: the same text as in the submission from Illumina Laboratory Services, Illumina above.

Illumina Laboratory Services, Illumina
Classification: Benign for Age related macular degeneration 9. Last evaluated: 2018-01-13. Review status: criteria provided, single submitter. Criteria: ICSL Variant Classification Criteria 13 December 2019. Collection method: clinical testing. Allele origin: germline.
Comment: the same text as in the submission from Illumina Laboratory Services, Illumina above.

Breakthrough Genomics
Classification: Benign. Review status: criteria provided, single submitter. Criteria: ACMG Guidelines, 2015. Collection method: not provided. Allele origin: germline. Inheritance: Autosomal recessive inheritance. Affected: yes.

NM_000064.4(C3):c.1836G>A (p.Thr612=)

Gene: C3 (complement C3; minus strand). Cytogenetic location: 19p13.3.
Variant type: single nucleotide variant.
Coding change: c.1836G>A on transcript NM_000064.4 (MANE Select); coding-DNA position 1836, G replaced by A.
Protein change: p.Thr612=; no amino-acid change (threonine 612 retained).
Molecular consequence: synonymous variant.
Genome position (GRCh38, 1-based): chr19:6,709,693, C>T on the plus strand (G>A on the coding strand, the complement: C3 is on the minus strand). VCF-style: chr19-6709693-C-T. GRCh37 (hg19) VCF-style: chr19-6709704-C-T.
Other names: p.Thr612=; c.1836G>A (LRG_27t1, NM_000064.3).
Identifiers: ClinVar variation 330317 (VCV000330317.21), dbSNP rs2230205, ClinGen allele CA9129324.